The following is an entry in ClinVar:

NM_000169.3(GLA):c.1013A>G (p.Glu338Gly)

Genes: GLA (galactosidase alpha; minus strand), RPL36A-HNRNPH2 (RPL36A-HNRNPH2 readthrough; plus strand). Cytogenetic location: Xq22.1.
Variant type: single nucleotide variant.
Coding change: c.1013A>G on transcript NM_000169.3 (MANE Select); coding-DNA position 1013, A replaced by G.
Protein change: p.Glu338Gly; replaces glutamic acid 338 with glycine.
Molecular consequence: missense variant. On other transcripts: non-coding transcript variant (3), intron variant (2).
Genome position (GRCh38, 1-based): chrX:101,398,086, T>C on the plus strand (A>G on the coding strand, the complement: GLA is on the minus strand). VCF-style: chrX-101398086-T-C. GRCh37 (hg19) VCF-style: chrX-100653074-T-C.
Other names: c.1136A>G, p.Glu379Gly (NM_001406747.1); c.300+2629T>C (NM_001199973.2); c.177+6264T>C (NM_001199974.2); short protein forms E338G, E379G.
Identifiers: ClinVar variation 4974833 (VCV004974833.1).

ClinVar aggregate classification (germline): Likely pathogenic (1 of 4 stars; one submission).

Conditions:
Fabry disease. Also called: Fabry's disease; ALPHA-GALACTOSIDASE A DEFICIENCY; ANDERSON-FABRY DISEASE; CERAMIDE TRIHEXOSIDASE DEFICIENCY; GLA DEFICIENCY; HEREDITARY DYSTOPIC LIPIDOSIS. Identifiers: Orphanet 324, MedGen C0002986, MONDO:0010526, OMIM 301500, HP:0001071. Disease mechanism: Fabry disease is due to inactivating mutations in the X-linked GLA gene resulting in deficiency of the enzyme Alpha Galactosidase-A., loss of function.

Submission:

Genomenon, Inc
Classification: Likely pathogenic for Fabry disease. Last evaluated: 2026-09-08. Review status: criteria provided, single submitter. Criteria: Genomenon Sequence Variant Interpretation Standards - Updated. Collection method: curation. Allele origin: germline. Affected: yes.
Comment: GLA p.Glu338Gly (c.1013A>G) is a missense variant that changes the amino acid at codon 338 from Glutamic acid to Glycine. This variant has been observed in at least one proband with clinical features consistent with Fabry disease (PMID:40784937). The presence of pathogenic/likely pathogenic missense variant(s) at the same amino acid position indicates that this residue is likely important for protein function. It is absent or not present at a significant frequency in gnomAD. In silico models predict that this variant is possibly or probably damaging. In conclusion, we classify GLA p.Glu338Gly (c.1013A>G) as a likely pathogenic variant.

Literature cited by the submitters: PubMed 40784937.